The following is an entry in ClinVar:

ClinVar aggregate classification (germline): Uncertain significance (1 of 4 stars; one submission).

gnomAD v4.1: 47 of 1,614,188 alleles (0.0029%); highest among the groups gnomAD compares: South Asian, 0.038%; no homozygotes.

Submission:

Labcorp Genetics (formerly Invitae), Labcorp
Classification: Uncertain significance. Last evaluated: 2022-04-09. Review status: criteria provided, single submitter. Criteria: Invitae Variant Classification Sherloc (09022015). Collection method: clinical testing. Allele origin: germline.
Comment: This variant is present in population databases (rs756222047, gnomAD 0.04%). This sequence change replaces arginine, which is basic and polar, with proline, which is neutral and non-polar, at codon 154 of the WNT9B protein (p.Arg154Pro). This variant has not been reported in the literature in individuals affected with WNT9B-related conditions. Algorithms developed to predict the effect of missense changes on protein structure and function are either unavailable or do not agree on the potential impact of this missense change (SIFT: "Not Available"; PolyPhen-2: "Benign"; Align-GVGD: "Not Available"). In summary, the available evidence is currently insufficient to determine the role of this variant in disease. Therefore, it has been classified as a Variant of Uncertain Significance.

NM_003396.3(WNT9B):c.461G>C (p.Arg154Pro)

Genes: LRRC37A2 (leucine rich repeat containing 37 member A2), WNT9B (Wnt family member 9B; plus strand). Cytogenetic location: 17q21.32.
Variant type: single nucleotide variant.
Coding change: c.461G>C on transcript NM_003396.3 (MANE Select); coding-DNA position 461, G replaced by C.
Protein change: p.Arg154Pro; replaces arginine 154 with proline.
Molecular consequence: missense variant.
Genome position (GRCh38, 1-based): chr17:46,875,227, G>C. VCF-style: chr17-46875227-G-C. GRCh37 (hg19) VCF-style: chr17-44952593-G-C.
Other names: c.461G>C, p.Arg154Pro (NM_001320458.2); short protein forms R154P.
Identifiers: ClinVar variation 1914203 (VCV001914203.5), dbSNP rs756222047, ClinGen allele CA8620910.